The following is an entry in ClinVar:

NM_033402.5(LRRCC1):c.979A>G (p.Arg327Gly)

Gene: LRRCC1 (leucine rich repeat and coiled-coil centrosomal protein 1; plus strand). Cytogenetic location: 8q21.2.
Variant type: single nucleotide variant.
Coding change: c.979A>G on transcript NM_033402.5 (MANE Select); coding-DNA position 979, A replaced by G.
Protein change: p.Arg327Gly; replaces arginine 327 with glycine.
Molecular consequence: missense variant. On other transcripts: intron variant (1).
Genome position (GRCh38, 1-based): chr8:85,123,461, A>G. VCF-style: chr8-85123461-A-G. GRCh37 (hg19) VCF-style: chr8-86035696-A-G.
Other names: c.700A>G, p.Arg234Gly (NM_001349636.2); c.553A>G, p.Arg185Gly (NM_001349637.2); c.82A>G, p.Arg28Gly (NM_001349638.2); c.-13-1331A>G (NM_001349639.2); short protein forms R28G, R185G, R327G, R234G.
Identifiers: ClinVar variation 4693716 (VCV004693716.1).
Genomic context (GRCh38, chr8:85,123,461, plus strand): 5'-TTTAAATTTTAGACTTCTAATTCAATAGATAACGTTCTTGAGAAAGACCCCAGACCAAAA[A>G]GAGACACAGATATAACTTCTGAAAGTGACTATGGAAACAGAAAAGAATGCAATAGAAAAG-3'
Protein context (NP_208325.3, residues 317-337): NVLEKDPRPK[Arg327Gly]DTDITSESDY

ClinVar aggregate classification (germline): Uncertain significance (1 of 4 stars; one submission).

gnomAD v4.1: 25 of 1,606,832 alleles (0.0016%); highest among the groups gnomAD compares: Non-Finnish European, 0.002%; no homozygotes.

Submission:

Labcorp Genetics (formerly Invitae), Labcorp
Classification: Uncertain significance. Last evaluated: 2025-07-24. Review status: criteria provided, single submitter. Criteria: Invitae Variant Classification Sherloc (09022015). Collection method: clinical testing. Allele origin: germline.
Comment: This sequence change replaces arginine, which is basic and polar, with glycine, which is neutral and non-polar, at codon 327 of the LRRCC1 protein (p.Arg327Gly). This variant is present in population databases (no rsID available, gnomAD 0.003%). This variant has not been reported in the literature in individuals affected with LRRCC1-related conditions. An algorithm developed to predict the effect of missense changes on protein structure and function outputs the following: PolyPhen-2: "Benign". The glycine amino acid residue is found in multiple mammalian species, which suggests that this missense change does not adversely affect protein function. In summary, the available evidence is currently insufficient to determine the role of this variant in disease. Therefore, it has been classified as a Variant of Uncertain Significance.